The following is an entry in ClinVar:

NM_133497.4(KCNV2):c.754A>T (p.Lys252Ter)

Gene: KCNV2 (potassium voltage-gated channel modifier subfamily V member 2; plus strand). Cytogenetic location: 9p24.2.
Variant type: single nucleotide variant.
Coding change: c.754A>T on transcript NM_133497.4 (MANE Select); coding-DNA position 754, A replaced by T.
Protein change: p.Lys252Ter; replaces lysine 252 with a stop codon.
Molecular consequence: nonsense.
Genome position (GRCh38, 1-based): chr9:2,718,493, A>T. VCF-style: chr9-2718493-A-T. GRCh37 (hg19) VCF-style: chr9-2718493-A-T.
Other names: short protein forms K252*.
Identifiers: ClinVar variation 3544455 (VCV003544455.1).

ClinVar aggregate classification (germline): Pathogenic (1 of 4 stars; one submission).

Conditions:
Cone-rod dystrophy. Also called: Cone-rod degeneration; Cone/cone-rod dystrophy. Identifiers: Orphanet 1872, MedGen C4085590, MONDO:0015993, HP:0000548.

gnomAD v4.1: 2 of 1,610,950 alleles (0.00012%); highest among the groups gnomAD compares: Non-Finnish European, 0.00017%; no homozygotes.

Submission:

Lab De Baere, Eye and Developmental Genetics Lab, Ghent University
Classification: Pathogenic for Cone-rod dystrophy. Last evaluated: 2024-10-01. Review status: criteria provided, single submitter. Criteria: ACMG Guidelines, 2015. Collection method: research. Allele origin: inherited. Affected: yes. Observed: 1 variant allele.
Comment: ACMG/AMP guidelines: PM2, PP4_PP, PP5, PVS1, PM3_PP